The following is an entry in ClinVar:

NM_015459.5(ATL3):c.1500_1502del (p.Gly501del)

Genes: ATL3 (atlastin GTPase 3; minus strand), LNCROPM (lncRNA regulator of PLAAT3 mediated phospholipid metabolism; plus strand). Cytogenetic location: 11q13.1.
Variant type: Deletion.
Coding change: c.1500_1502del on transcript NM_015459.5 (MANE Select); coding-DNA positions 1500 to 1502, 3 bases deleted (CGG; older notation c.1500_1502delCGG).
Protein change: p.Gly501del; deletes glycine 501.
Molecular consequence: inframe deletion.
Genome position (GRCh38, 1-based): chr11:63,631,077-63,631,079, CCG deleted on the plus strand (CGG on the coding strand, the reverse complement: ATL3 is on the minus strand); deleting any 3 consecutive bases within chr11:63,631,077-63,631,081 gives the same sequence; the c. name uses the placement nearest the transcript's 3' end. VCF-style (leftmost placement, unchanged base first): chr11-63631076-TCCG-T. GRCh37 (hg19) VCF-style: chr11-63398548-TCCG-T.
Other names: c.1446_1448del, p.Gly483del (NM_001290048.2); short protein forms G483del, G501del.
Identifiers: ClinVar variation 640627 (VCV000640627.10), dbSNP rs1555050907, ClinGen allele CA381024811.

ClinVar aggregate classification (germline): Uncertain significance (1 of 4 stars; one submission).

Conditions:
Neuropathy, hereditary sensory, type 1F. Also called: Hereditary sensory neuropathy type IF; HSN IF. Identifiers: Orphanet 36386, MedGen C3810194, MONDO:0014286, OMIM 615632.

Submission:

Labcorp Genetics (formerly Invitae), Labcorp
Classification: Uncertain significance for Neuropathy, hereditary sensory, type 1F. Last evaluated: 2019-07-11. Review status: criteria provided, single submitter. Criteria: Invitae Variant Classification Sherloc (09022015). Collection method: clinical testing. Allele origin: germline.
Comment: In summary, the available evidence is currently insufficient to determine the role of this variant in disease. Therefore, it has been classified as a Variant of Uncertain Significance. Experimental studies and prediction algorithms are not available for this variant, and the functional significance of the deleted amino acid is currently unknown. This variant has not been reported in the literature in individuals with ATL3-related disease. This variant is not present in population databases (ExAC no frequency). This variant, c.1500_1502delCGG, results in the deletion of 1 amino acid of the ATL3 protein (p.Gly501del), but otherwise preserves the integrity of the reading frame.